The following is an entry in ClinVar:

ClinVar aggregate classification (germline): Uncertain significance (1 of 4 stars; one submission).

Conditions:
Developmental and epileptic encephalopathy, 42 (DEE42A). Also called: DEVELOPMENTAL AND EPILEPTIC ENCEPHALOPATHY 42A; EPILEPTIC ENCEPHALOPATHY, EARLY INFANTILE, 42A; Epileptic encephalopathy, early infantile, 42. Identifiers: MedGen C4310716, MONDO:0014917, OMIM 617106.
Episodic ataxia type 2 (EA2). Also called: ACETAZOLAMIDE-RESPONSIVE HEREDITARY PAROXYSMAL CEREBELLAR ATAXIA; ATAXIA, EPISODIC, WITH NYSTAGMUS; ATAXIA, FAMILIAL PAROXYSMAL; CEREBELLAR ATAXIA, PAROXYSMAL, ACETAZOLAMIDE-RESPONSIVE; CEREBELLOPATHY, HEREDITARY PAROXYSMAL; EPISODIC ATAXIA, NYSTAGMUS-ASSOCIATED. Identifiers: Orphanet 97, MedGen C1720416, MONDO:0007163, OMIM 108500.

Submission:

Labcorp Genetics (formerly Invitae), Labcorp
Classification: Uncertain significance for Developmental and epileptic encephalopathy, 42; Episodic ataxia type 2. Last evaluated: 2024-01-22. Review status: criteria provided, single submitter. Criteria: Invitae Variant Classification Sherloc (09022015). Collection method: clinical testing. Allele origin: germline.
Comment: This sequence change replaces glutamine, which is neutral and polar, with arginine, which is basic and polar, at codon 765 of the CACNA1A protein (p.Gln765Arg). This variant is not present in population databases (gnomAD no frequency). This variant has not been reported in the literature in individuals affected with CACNA1A-related conditions. Advanced modeling of protein sequence and biophysical properties (such as structural, functional, and spatial information, amino acid conservation, physicochemical variation, residue mobility, and thermodynamic stability) performed at Invitae indicates that this missense variant is not expected to disrupt CACNA1A protein function with a negative predictive value of 95%. In summary, the available evidence is currently insufficient to determine the role of this variant in disease. Therefore, it has been classified as a Variant of Uncertain Significance.

NM_001127222.2(CACNA1A):c.2291A>G (p.Gln764Arg)

Gene: CACNA1A (calcium voltage-gated channel subunit alpha1 A; minus strand). Cytogenetic location: 19p13.13.
Variant type: single nucleotide variant.
Coding change: c.2291A>G on transcript NM_001127222.2 (MANE Select); coding-DNA position 2291, A replaced by G.
Protein change: p.Gln764Arg; replaces glutamine 764 with arginine.
Molecular consequence: missense variant.
Genome position (GRCh38, 1-based): chr19:13,299,342, T>C on the plus strand (A>G on the coding strand, the complement: CACNA1A is on the minus strand). VCF-style: chr19-13299342-T-C. GRCh37 (hg19) VCF-style: chr19-13410156-T-C.
Other names: c.2303A>G, p.Gln768Arg (NM_000068.4, NM_023035.3); c.2294A>G, p.Gln765Arg (NM_001127221.2, NM_001174080.2); short protein forms Q765R, Q768R, Q764R.
Identifiers: ClinVar variation 2930038 (VCV002930038.3), dbSNP rs2512911261, ClinGen allele CA404343782.